The following is an entry in ClinVar:

ClinVar aggregate classification (germline): Uncertain significance (1 of 4 stars; one submission).

Conditions:
Primary open angle glaucoma (POAG). Also called: OPTN-related open angle glaucoma. Identifiers: MedGen C0339573, MONDO:0100553, OMIM 137760.
Glaucoma 1, open angle, E. Identifiers: MedGen C1842026, MONDO:0007665.
Amyotrophic lateral sclerosis type 12 (ALS12). Also called: AMYOTROPHIC LATERAL SCLEROSIS 12 WITH OR WITHOUT FRONTOTEMPORAL DEMENTIA. Identifiers: Orphanet 803, MedGen C3150692, MONDO:0013264, OMIM 613435.

gnomAD v4.1: 3 of 1,610,790 alleles (0.00019%); highest among the groups gnomAD compares: African/African-American, 0.0013%; no homozygotes.

Submission:

Labcorp Genetics (formerly Invitae), Labcorp
Classification: Uncertain significance for Primary open angle glaucoma; Glaucoma 1, open angle, E; Amyotrophic lateral sclerosis type 12. Last evaluated: 2024-10-12. Review status: criteria provided, single submitter. Criteria: Invitae Variant Classification Sherloc (09022015). Collection method: clinical testing. Allele origin: germline.
Comment: This sequence change replaces glycine, which is neutral and non-polar, with arginine, which is basic and polar, at codon 190 of the OPTN protein (p.Gly190Arg). This variant is not present in population databases (gnomAD no frequency). This variant has not been reported in the literature in individuals affected with OPTN-related conditions. Invitae Evidence Modeling of protein sequence and biophysical properties (such as structural, functional, and spatial information, amino acid conservation, physicochemical variation, residue mobility, and thermodynamic stability) indicates that this missense variant is not expected to disrupt OPTN protein function with a negative predictive value of 80%. Algorithms developed to predict the effect of sequence changes on RNA splicing suggest that this variant may disrupt the consensus splice site. In summary, the available evidence is currently insufficient to determine the role of this variant in disease. Therefore, it has been classified as a Variant of Uncertain Significance.

NM_001008212.2(OPTN):c.568G>A (p.Gly190Arg)

Gene: OPTN (optineurin; plus strand). Cytogenetic location: 10p13.
Variant type: single nucleotide variant.
Coding change: c.568G>A on transcript NM_001008212.2 (MANE Select); coding-DNA position 568, G replaced by A.
Protein change: p.Gly190Arg; replaces glycine 190 with arginine.
Molecular consequence: missense variant.
Genome position (GRCh38, 1-based): chr10:13,116,282, G>A. VCF-style: chr10-13116282-G-A. GRCh37 (hg19) VCF-style: chr10-13158282-G-A.
Other names: c.568G>A, p.Gly190Arg (NM_001008211.1, NM_001008213.1, NM_021980.4); short protein forms G190R.
Identifiers: ClinVar variation 3760519 (VCV003760519.2).